The following is an entry in ClinVar:

ClinVar aggregate classification (germline): Benign/Likely benign. Review status: criteria provided, multiple submitters, no conflicts (2 of 4 stars). 5 submissions from 5 submitters: Benign (1); Likely benign (3). 1 of the submissions does not count toward it. Last evaluated 2025-11-22.

Conditions:
Dystrophin deficiency.
Duchenne muscular dystrophy (DMD). Also called: MUSCULAR DYSTROPHY, PSEUDOHYPERTROPHIC PROGRESSIVE, DUCHENNE TYPE; Duchenne Muscular Dystrophy (DMD). Identifiers: Orphanet 98896, MedGen C0013264, MONDO:0010679, OMIM 310200.
Becker muscular dystrophy (BMD). Also called: MUSCULAR DYSTROPHY, PSEUDOHYPERTROPHIC PROGRESSIVE, BECKER TYPE; Becker Muscular Dystrophy (BMD). Identifiers: Orphanet 98895, MedGen C0917713, MONDO:0010311, OMIM 300376.
Cardiomyopathy (CMYO). Also called: Cardiomyopathies. Identifiers: Orphanet 167848, MedGen C0878544, MONDO:0004994, HP:0001638. Inheritance: Various modes of inheritance.
DMD-related disorder. Also called: DMD-related condition.
Dilated cardiomyopathy 3B (CMD3B). Also called: CMD3B: DMD-Related Dilated Cardiomyopathy; CARDIOMYOPATHY, DILATED, X-LINKED; DMD-Associated Dilated Cardiomyopathy. Identifiers: Orphanet 154, MedGen C3668940, MONDO:0010542, OMIM 302045.

Allele frequency attached by ClinVar (database versions not stated): gnomAD below 0.00001 and 0.00005; TOPMed 0.00002; gnomAD exomes 0.00011 and 0.00024; 1000 Genomes Project 30x 0.00021; 1000 Genomes Project 0.00026; ExAC 0.00026.
gnomAD v4.1: 127 of 1,203,999 alleles (0.011%); highest among the groups gnomAD compares: South Asian, 0.22%; no homozygotes.

Submissions (5):

Labcorp Genetics (formerly Invitae), Labcorp
Classification: Benign for Duchenne muscular dystrophy. Last evaluated: 2025-11-22. Review status: criteria provided, single submitter. Criteria: Invitae Variant Classification Sherloc (09022015). Collection method: clinical testing. Allele origin: germline.

PreventionGenetics, part of Exact Sciences
Classification: Likely benign for DMD-related condition. Last evaluated: 2025-02-26. Review status: criteria provided, single submitter. Criteria: ACMG Guidelines, 2015. Collection method: clinical testing. Allele origin: germline.
Comment: This variant is classified as likely benign based on ACMG/AMP sequence variant interpretation guidelines (Richards et al. 2015 PMID: 25741868, with internal and published modifications).

GeneDx
Classification: Likely benign. Last evaluated: 2018-05-11. Review status: criteria provided, single submitter. Criteria: GeneDx Variant Classification (06012015). Collection method: clinical testing. Allele origin: germline. Affected: yes.
Comment: This variant is considered likely benign or benign based on one or more of the following criteria: it is a conservative change, it occurs at a poorly conserved position in the protein, it is predicted to be benign by multiple in silico algorithms, and/or has population frequency not consistent with disease.

Illumina Laboratory Services, Illumina
Classification: Likely benign for Dilated cardiomyopathy 3B. Last evaluated: 2018-01-12. Review status: criteria provided, single submitter. Criteria: ICSL Variant Classification Criteria 13 December 2019. Collection method: clinical testing. Allele origin: germline.
Comment: This variant was observed in the ICSL laboratory as part of a predisposition screen in an ostensibly healthy population. It had not been previously curated by ICSL or reported in the Human Gene Mutation Database (HGMD: prior to June 1st, 2018), and was therefore a candidate for classification through an automated scoring system. Utilizing variant allele frequency, disease prevalence and penetrance estimates, and inheritance mode, an automated score was calculated to assess if this variant is too frequent to cause the disease. Based on the score and internal cut-off values, a variant classified as likely benign is not then subjected to further curation. The score for this variant resulted in a classification of likely benign for this disease.

Natera, Inc.
Classification: Likely benign for Becker muscular dystrophy; Cardiomyopathy; Duchenne muscular dystrophy; Dystrophin deficiency. Last evaluated: 2019-07-10. Review status: no assertion criteria provided. Collection method: clinical testing. Allele origin: germline. Not counted in ClinVar's aggregate classification.

NM_004006.3(DMD):c.6291-10T>C

Gene: DMD (dystrophin; minus strand). Cytogenetic location: Xp21.1.
Variant type: single nucleotide variant.
Coding change: c.6291-10T>C on transcript NM_004006.3 (MANE Select); 10 bases into the intron before coding-DNA position 6291, T replaced by C.
Molecular consequence: intron variant.
Genome position (GRCh38, 1-based): chrX:32,217,073, A>G on the plus strand (T>C on the coding strand, the complement: DMD is on the minus strand). VCF-style: chrX-32217073-A-G. GRCh37 (hg19) VCF-style: chrX-32235190-A-G.
Other names: c.6267-10T>C (NM_000109.4); c.2268-10T>C (NM_004011.4); c.2259-10T>C (NM_004012.4); c.6279-10T>C (NM_004009.3); c.5922-10T>C (NM_004010.3).
Identifiers: ClinVar variation 455917 (VCV000455917.17), dbSNP rs758023750, ClinGen allele CA10378490.